The following is an entry in ClinVar:

ClinVar aggregate classification (germline): Pathogenic/Likely pathogenic. Review status: criteria provided, multiple submitters, no conflicts (2 of 4 stars). 2 submissions from 2 submitters: Pathogenic (1); Likely pathogenic (1). Last evaluated 2025-06-12.

Conditions:
ARL3-related disorder. Also called: ARL3-related condition.
Retinitis pigmentosa 83 (RP83). Identifiers: MedGen C4748536, MONDO:0032577, OMIM 618173.

Submissions (2):

3billion
Classification: Pathogenic for Retinitis pigmentosa 83. Last evaluated: 2025-06-12. Review status: criteria provided, single submitter. Criteria: ACMG Guidelines, 2015. Collection method: clinical testing. Allele origin: germline. Affected: yes.
Comment: The variant is not observed in the gnomAD v4.1.0 dataset. Predicted Consequence/Location: Missense variant Functional studies provide moderate evidence of the variant having a damaging effect on the gene or gene product (PMID: 40037334). In silico tool predictions suggest damaging effect of the variant on gene or gene product [REVEL: 0.98 (>=0.6, sensitivity 0.68 and specificity 0.92); 3Cnet: 0.01 (> 0.75, sensitivity 0.96 and precision 0.92)]. The same nucleotide change resulting in the same amino acid change has been previously reported to be associated with ARL3-related disorder (PMID: 40037334).The variant has been previously reported as de novo in a similarly affected individual (PMID: 40037334). Therefore, this variant is classified as Pathogenic according to the recommendation of ACMG/AMP guideline.

Blueprint Genetics
Classification: Likely pathogenic for ARL3-related disorders. Last evaluated: 2024-05-06. Review status: criteria provided, single submitter. Criteria: ACMG Guidelines, 2015. Collection method: clinical testing. Allele origin: germline. Affected: yes. Observed: 5 variant alleles.

Literature cited by the submitters: PubMed 40037334 (cited by 3billion).

NM_004311.4(ARL3):c.209G>A (p.Gly70Glu)

Gene: ARL3 (ARF like GTPase 3; minus strand). Cytogenetic location: 10q24.32.
Variant type: single nucleotide variant.
Coding change: c.209G>A on transcript NM_004311.4 (MANE Select); coding-DNA position 209, G replaced by A.
Protein change: p.Gly70Glu; replaces glycine 70 with glutamic acid.
Molecular consequence: missense variant.
Genome position (GRCh38, 1-based): chr10:102,699,428, C>T on the plus strand (G>A on the coding strand, the complement: ARL3 is on the minus strand). VCF-style: chr10-102699428-C-T. GRCh37 (hg19) VCF-style: chr10-104459185-C-T.
Other names: short protein forms G70E.
Identifiers: ClinVar variation 4854435 (VCV004854435.2).
Genomic context (GRCh38, chr10:102,699,428, plus strand): 5'-CTTACAAGAATATCGGTATTTTCAAAATAATTCTTCCAGTATGGTCTGATTTTCCTCTGT[C>T]CACCAATGTCCCATACATTCAGTTTAAAACCTTGTGATTGTACACTTTTGATGTTGAAAC-3'
Protein context (NP_004302.1, residues 60-80): GFKLNVWDIG[Gly70Glu]QRKIRPYWKN